The following is an entry in ClinVar:

ClinVar aggregate classification (germline): Uncertain significance. Review status: criteria provided, multiple submitters, no conflicts (2 of 4 stars). 3 submissions from 3 submitters: Uncertain significance (3). Last evaluated 2026-01-25.

Conditions:
X-linked distal spinal muscular atrophy type 3. Also called: SPINAL MUSCULAR ATROPHY, DISTAL, X-LINKED RECESSIVE; NEURONOPATHY, DISTAL HEREDITARY MOTOR, X-LINKED; NEUROPATHY, DISTAL HEREDITARY MOTOR, X-LINKED; ATP7A-Related Distal Motor Neuropathy. Identifiers: Orphanet 139557, MedGen C1845359, MONDO:0010338, OMIM 300489.
Menkes kinky-hair syndrome (MNK). Also called: Classic Menkes Disease; Menkes Disease; Copper transport disease. Identifiers: Orphanet 565, MedGen C0022716, MONDO:0010651, OMIM 309400.
Cutis laxa, X-linked (OHS). Also called: EDS IX; Occipital horn syndrome. Identifiers: Orphanet 198, MedGen C0268353, MONDO:0010572, OMIM 304150.
Inborn genetic diseases. Identifiers: MedGen C0950123, MeSH D030342.

Submissions (3):

Ambry Genetics
Classification: Uncertain significance for Inborn genetic diseases. Last evaluated: 2026-01-25. Review status: criteria provided, single submitter. Criteria: Ambry Variant Classification Scheme 2023. Collection method: clinical testing. Allele origin: germline.

Labcorp Genetics (formerly Invitae), Labcorp
Classification: Uncertain significance for X-linked distal spinal muscular atrophy type 3; Cutis laxa, X-linked; Menkes kinky-hair syndrome. Last evaluated: 2025-10-01. Review status: criteria provided, single submitter. Criteria: Invitae Variant Classification Sherloc (09022015). Collection method: clinical testing. Allele origin: germline.
Comment: This sequence change replaces lysine, which is basic and polar, with arginine, which is basic and polar, at codon 1060 of the ATP7A protein (p.Lys1060Arg). This variant is not present in population databases (gnomAD no frequency). This variant has not been reported in the literature in individuals affected with ATP7A-related conditions. ClinVar contains an entry for this variant (Variation ID: 1009490). Invitae Evidence Modeling of protein sequence and biophysical properties (such as structural, functional, and spatial information, amino acid conservation, physicochemical variation, residue mobility, and thermodynamic stability) indicates that this missense variant is not expected to disrupt ATP7A protein function with a negative predictive value of 95%. In summary, the available evidence is currently insufficient to determine the role of this variant in disease. Therefore, it has been classified as a Variant of Uncertain Significance.

GeneDx
Classification: Uncertain significance. Last evaluated: 2025-02-21. Review status: criteria provided, single submitter. Criteria: GeneDx Variant Classification Process June 2021. Collection method: clinical testing. Allele origin: germline. Affected: yes.
Comment: Not observed at significant frequency in large population cohorts (gnomAD); In silico analysis suggests this variant may impact gene splicing. In the absence of RNA/functional studies, the actual effect of this sequence change is unknown.; In silico analysis indicates that this missense variant does not alter protein structure/function; Has not been previously published as pathogenic or benign to our knowledge

NM_000052.7(ATP7A):c.3179A>G (p.Lys1060Arg)

Gene: ATP7A (ATPase copper transporting alpha; plus strand). Cytogenetic location: Xq21.1.
Variant type: single nucleotide variant.
Coding change: c.3179A>G on transcript NM_000052.7 (MANE Select); coding-DNA position 3179, A replaced by G.
Protein change: p.Lys1060Arg; replaces lysine 1060 with arginine.
Molecular consequence: missense variant. On other transcripts: non-coding transcript variant (1).
Genome position (GRCh38, 1-based): chrX:78,031,467, A>G. VCF-style: chrX-78031467-A-G. GRCh37 (hg19) VCF-style: chrX-77286965-A-G.
Other names: c.2945A>G, p.Lys982Arg (NM_001282224.2); c.3179A>G (NM_000052.4); short protein forms K1060R, K982R.
Identifiers: ClinVar variation 1009490 (VCV001009490.11), dbSNP rs2077983527, ClinGen allele CA413603569.